The following is an entry in ClinVar:

NM_004006.3(DMD):c.137A>T (p.Asp46Val)

Gene: DMD (dystrophin; minus strand). Cytogenetic location: Xp21.1.
Variant type: single nucleotide variant.
Coding change: c.137A>T on transcript NM_004006.3 (MANE Select); coding-DNA position 137, A replaced by T.
Protein change: p.Asp46Val; replaces aspartic acid 46 with valine.
Molecular consequence: missense variant. On other transcripts: 5 prime UTR variant (1).
Genome position (GRCh38, 1-based): chrX:32,849,777, T>A on the plus strand (A>T on the coding strand, the complement: DMD is on the minus strand). VCF-style: chrX-32849777-T-A. GRCh37 (hg19) VCF-style: chrX-32867894-T-A.
Other names: c.113A>T, p.Asp38Val (NM_000109.4); c.125A>T, p.Asp42Val (NM_004009.3); c.-233A>T (NM_004010.3); short protein forms D46V, D38V, D42V.
Identifiers: ClinVar variation 94464 (VCV000094464.14), dbSNP rs398123858, ClinGen allele CA266886.
Genomic context (GRCh38, chrX:32,849,777, plus strand): 5'-AAGTCACATACCAGTTTTTGCCCTGTCAGGCCTTCGAGGAGGTCTAGGAGGCGCCTCCCA[T>A]CCTGTAGGTCACTGAAGAGGTTCTCAATATGCTGCTTCCCAAACTGAAATTAAAAAAAAT-3'
Protein context (NP_003997.2, residues 36-56): HIENLFSDLQ[Asp46Val]GRRLLDLLEG

ClinVar aggregate classification (germline): Conflicting classifications of pathogenicity. Review status: criteria provided, conflicting classifications (1 of 4 stars). 3 submissions from 3 submitters: Likely pathogenic (1); Uncertain significance (2). Last evaluated 2026-04-01.

Conditions:
Becker muscular dystrophy (BMD). Also called: MUSCULAR DYSTROPHY, PSEUDOHYPERTROPHIC PROGRESSIVE, BECKER TYPE; Becker Muscular Dystrophy (BMD). Identifiers: Orphanet 98895, MedGen C0917713, MONDO:0010311, OMIM 300376.
Duchenne muscular dystrophy (DMD). Also called: Duchenne Muscular Dystrophy (DMD); MUSCULAR DYSTROPHY, PSEUDOHYPERTROPHIC PROGRESSIVE, DUCHENNE TYPE. Identifiers: Orphanet 98896, MedGen C0013264, MONDO:0010679, OMIM 310200.

Submissions (3):

Department of Genetics, Sultan Qaboos University Hospital
Classification: Likely pathogenic for Becker muscular dystrophy. Last evaluated: 2026-04-01. Review status: criteria provided, single submitter. Criteria: ACMG Guidelines, 2015. Collection method: clinical testing. Allele origin: germline. Affected: yes. Observed: 1 variant allele.
Comment: PP1_Strong,PM5_Moderate,PP3_Moderate,PP4_Supporting

Labcorp Genetics (formerly Invitae), Labcorp
Classification: Uncertain significance for Duchenne muscular dystrophy. Last evaluated: 2025-04-17. Review status: criteria provided, single submitter. Criteria: Invitae Variant Classification Sherloc (09022015). Collection method: clinical testing. Allele origin: germline.
Comment: This sequence change replaces aspartic acid, which is acidic and polar, with valine, which is neutral and non-polar, at codon 46 of the DMD protein (p.Asp46Val). This variant is not present in population databases (gnomAD no frequency). This missense change has been observed in individual(s) with DMD-related conditions (PMID: 19367636; internal data). ClinVar contains an entry for this variant (Variation ID: 94464). Invitae Evidence Modeling of protein sequence and biophysical properties (such as structural, functional, and spatial information, amino acid conservation, physicochemical variation, residue mobility, and thermodynamic stability) has been performed for this missense variant. However, the output from this modeling did not meet the statistical confidence thresholds required to predict the impact of this variant on DMD protein function. In summary, the available evidence is currently insufficient to determine the role of this variant in disease. Therefore, it has been classified as a Variant of Uncertain Significance.

Revvity Omics, Revvity
Classification: Uncertain significance. Last evaluated: 2021-05-03. Review status: criteria provided, single submitter. Criteria: ACMG Guidelines, 2015. Collection method: clinical testing. Allele origin: germline.

Literature cited by the submitters: PubMed 19367636 (cited by Labcorp Genetics (formerly Invitae), Labcorp).